The following is an entry in ClinVar:

NM_000052.7(ATP7A):c.1157T>G (p.Met386Arg)

Gene: ATP7A (ATPase copper transporting alpha; plus strand). Cytogenetic location: Xq21.1.
Variant type: single nucleotide variant.
Coding change: c.1157T>G on transcript NM_000052.7 (MANE Select); coding-DNA position 1157, T replaced by G.
Protein change: p.Met386Arg; replaces methionine 386 with arginine.
Molecular consequence: missense variant.
Genome position (GRCh38, 1-based): chrX:77,989,779, T>G. VCF-style: chrX-77989779-T-G. GRCh37 (hg19) VCF-style: chrX-77245275-T-G.
Other names: c.1157T>G, p.Met386Arg (NM_001282224.2); short protein forms M386R.
Identifiers: ClinVar variation 1450741 (VCV001450741.3), dbSNP rs2149083331, ClinGen allele CA413601935.

ClinVar aggregate classification (germline): Uncertain significance (1 of 4 stars; one submission).

Conditions:
X-linked distal spinal muscular atrophy type 3. Also called: ATP7A-Related Distal Motor Neuropathy; NEURONOPATHY, DISTAL HEREDITARY MOTOR, X-LINKED; NEUROPATHY, DISTAL HEREDITARY MOTOR, X-LINKED; SPINAL MUSCULAR ATROPHY, DISTAL, X-LINKED RECESSIVE. Identifiers: Orphanet 139557, MedGen C1845359, MONDO:0010338, OMIM 300489.
Menkes kinky-hair syndrome (MNK). Also called: Classic Menkes Disease; Copper transport disease; Menkes Disease. Identifiers: Orphanet 565, MedGen C0022716, MONDO:0010651, OMIM 309400.
Cutis laxa, X-linked (OHS). Also called: EDS IX; Occipital horn syndrome. Identifiers: Orphanet 198, MedGen C0268353, MONDO:0010572, OMIM 304150.

gnomAD v4.1: 6 of 1,211,547 alleles (0.0005%); highest among the groups gnomAD compares: Non-Finnish European, 0.00067%; no homozygotes.

Submission:

Labcorp Genetics (formerly Invitae), Labcorp
Classification: Uncertain significance for X-linked distal spinal muscular atrophy type 3; Cutis laxa, X-linked; Menkes kinky-hair syndrome. Last evaluated: 2022-05-05. Review status: criteria provided, single submitter. Criteria: Invitae Variant Classification Sherloc (09022015). Collection method: clinical testing. Allele origin: germline.
Comment: This sequence change replaces methionine, which is neutral and non-polar, with arginine, which is basic and polar, at codon 386 of the ATP7A protein (p.Met386Arg). This variant is not present in population databases (gnomAD no frequency). This variant has not been reported in the literature in individuals affected with ATP7A-related conditions. Advanced modeling of protein sequence and biophysical properties (such as structural, functional, and spatial information, amino acid conservation, physicochemical variation, residue mobility, and thermodynamic stability) performed at Invitae indicates that this missense variant is expected to disrupt ATP7A protein function. Algorithms developed to predict the effect of sequence changes on RNA splicing suggest that this variant may create or strengthen a splice site. In summary, the available evidence is currently insufficient to determine the role of this variant in disease. Therefore, it has been classified as a Variant of Uncertain Significance.